The following is an entry in ClinVar:

ClinVar aggregate classification (germline): Pathogenic. Review status: criteria provided, single submitter (1 of 4 stars). 2 submissions from 2 submitters: Pathogenic (1). 1 of the submissions does not count toward it. Last evaluated 2026-04-22.

Conditions:
Hereditary von Willebrand disease. Identifiers: Orphanet 903, MedGen C5703318, MONDO:0019565. Inheritance: Autosomal recessive or Autosomal dominant.
von Willebrand disease type 1 (VWD1). Also called: VON WILLEBRAND DISEASE, TYPE I; VWD, TYPE 1. Identifiers: Orphanet 166078, Orphanet 903, MedGen C1264039, MONDO:0008668, OMIM 193400. Inheritance: autosomal recessive or autosomal dominant.

Allele frequency attached by ClinVar (database versions not stated): gnomAD exomes below 0.00001.
gnomAD v4.1: 1 of 1,612,078 alleles (0.000062%); highest among the groups gnomAD compares: Non-Finnish European, 0.000085%; no homozygotes.

Submissions (2):

Victorian Clinical Genetics Services, Murdoch Childrens Research Institute
Classification: Pathogenic for von Willebrand disease type 1. Last evaluated: 2026-04-22. Review status: criteria provided, single submitter. Criteria: ACMG Guidelines, 2015. Collection method: clinical testing. Allele origin: germline. Affected: yes.
Comment: This variant is classified as Pathogenic. Evidence in support of pathogenic classification: Splice site variant proven to affect splicing of the transcript with uncertain effect on protein sequence. Minigene assay shows this variant may result in exon 13 and/or exon 14 skipping, however the variant transcript was not detected in platelets (PMID: 30361419); Variant is present in gnomAD <0.01 (v4: 1 heterozygote(s), 0 homozygote(s)); This variant has limited previous evidence of pathogenicity in unrelated individual(s). This variant has been reported in the literature in a heterozygous individual with VWD (PMID: 34355501). However, c.1533+1G>A was inherited from an unaffected mother while the patient's father with p.(Tyr1146Cys) showed mild symptoms consistent with VWD type 1 (PMID: 26988807, 30361419). - Another splice variant comparable to the one identified in this case has limited previous evidence for pathogenicity. c.1533+1G>T has been classified as pathogenic by a clinical laboratory in ClinVar. Additional information: This variant is heterozygous; This gene is associated with both recessive and dominant disease. VWD can be both dominantly and recessively inherited, and is categorised into six different types: 1 (MIM#193400), 2A, 2B, 2M, 2N (MIM#613554) and 3 (MIM#277480); Dominant negative, gain of function and loss of function are known mechanisms of disease in this gene and are associated with von Willebrand disease (VWD) (OMIM, PMID: 30488424); The condition associated with this gene has incomplete penetrance (PMID: 19372260); Variants in this gene are known to have variable expressivity (PMID: 19372260); Inheritance information for this variant is not currently available in this individual.

ISTH-SSC Genomics in Thrombosis and Hemostasis, KU Leuven, Center for Molecular and Vascular Biology
Classification: Uncertain significance for von Willebrand disorder. Review status: no assertion criteria provided. Collection method: research. Allele origin: unknown. Affected: yes. Not counted in ClinVar's aggregate classification.
Comment: Submitted to GoldVariant by Dr Marie-Christine Morel-Kopp from Northern Blood Research Centre, Sydney, Australia

Literature cited by the submitters: PubMed 30361419 (cited by Victorian Clinical Genetics Services, Murdoch Childrens Research Institute); PubMed 30488424 (cited by Victorian Clinical Genetics Services, Murdoch Childrens Research Institute); PubMed 19372260 (cited by Victorian Clinical Genetics Services, Murdoch Childrens Research Institute); PubMed 34355501 (cited by Victorian Clinical Genetics Services, Murdoch Childrens Research Institute); PubMed 26988807 (cited by Victorian Clinical Genetics Services, Murdoch Childrens Research Institute).

NM_000552.5(VWF):c.1533+1G>A

Gene: VWF (von Willebrand factor; minus strand). Cytogenetic location: 12p13.31.
Variant type: single nucleotide variant.
Coding change: c.1533+1G>A on transcript NM_000552.5 (MANE Select); the canonical splice donor site of the intron after coding-DNA position 1533, G replaced by A.
Molecular consequence: splice donor variant.
Genome position (GRCh38, 1-based): chr12:6,062,953, C>T on the plus strand (G>A on the coding strand, the complement: VWF is on the minus strand). VCF-style: chr12-6062953-C-T. GRCh37 (hg19) VCF-style: chr12-6172119-C-T.
Identifiers: ClinVar variation 1684484 (VCV001684484.2), dbSNP rs1555198839, ClinGen allele CA383500335.